The following is an entry in ClinVar:

ClinVar aggregate classification (germline): Uncertain significance (1 of 4 stars; one submission).

Allele frequency attached by ClinVar (database versions not stated): gnomAD exomes below 0.00001 and 0.00002; ExAC 0.00005; gnomAD 0.00005; TOPMed 0.00005.
gnomAD v4.1: 13 of 1,551,250 alleles (0.00084%); highest among the groups gnomAD compares: African/African-American, 0.015%; no homozygotes.

Submission:

Labcorp Genetics (formerly Invitae), Labcorp
Classification: Uncertain significance. Last evaluated: 2023-07-10. Review status: criteria provided, single submitter. Criteria: Invitae Variant Classification Sherloc (09022015). Collection method: clinical testing. Allele origin: germline.
Comment: In summary, the available evidence is currently insufficient to determine the role of this variant in disease. Therefore, it has been classified as a Variant of Uncertain Significance. Algorithms developed to predict the effect of missense changes on protein structure and function output the following: SIFT: "Not Available"; PolyPhen-2: "Benign"; Align-GVGD: "Not Available". The proline amino acid residue is found in multiple mammalian species, which suggests that this missense change does not adversely affect protein function. ClinVar contains an entry for this variant (Variation ID: 1446067). This variant has not been reported in the literature in individuals affected with EYS-related conditions. This variant is present in population databases (rs749598687, gnomAD 0.02%). This sequence change replaces serine, which is neutral and polar, with proline, which is neutral and non-polar, at codon 1762 of the EYS protein (p.Ser1762Pro).

NM_001142800.2(EYS):c.5284T>C (p.Ser1762Pro)

Gene: EYS (EGF-like photoreceptor maintenance factor; minus strand). Cytogenetic location: 6q12.
Variant type: single nucleotide variant.
Coding change: c.5284T>C on transcript NM_001142800.2 (MANE Select); coding-DNA position 5284, T replaced by C.
Protein change: p.Ser1762Pro; replaces serine 1762 with proline.
Molecular consequence: missense variant.
Genome position (GRCh38, 1-based): chr6:64,590,583, A>G on the plus strand (T>C on the coding strand, the complement: EYS is on the minus strand). VCF-style: chr6-64590583-A-G. GRCh37 (hg19) VCF-style: chr6-65300476-A-G.
Other names: c.5284T>C, p.Ser1762Pro (NM_001292009.2); short protein forms S1762P.
Identifiers: ClinVar variation 1446067 (VCV001446067.7), dbSNP rs749598687, ClinGen allele CA3877027.